The following is an entry in ClinVar:

NM_000081.4(LYST):c.1303G>T (p.Glu435Ter)

Gene: LYST (lysosomal trafficking regulator; minus strand). Cytogenetic location: 1q42.3.
Variant type: single nucleotide variant.
Coding change: c.1303G>T on transcript NM_000081.4 (MANE Select); coding-DNA position 1303, G replaced by T.
Protein change: p.Glu435Ter; replaces glutamic acid 435 with a stop codon.
Molecular consequence: nonsense.
Genome position (GRCh38, 1-based): chr1:235,809,515, C>A on the plus strand (G>T on the coding strand, the complement: LYST is on the minus strand). VCF-style: chr1-235809515-C-A. GRCh37 (hg19) VCF-style: chr1-235972815-C-A.
Other names: c.1303G>T, p.Glu435Ter (NM_001301365.1); short protein forms E435*.
Identifiers: ClinVar variation 3720287 (VCV003720287.2).

ClinVar aggregate classification (germline): Pathogenic (1 of 4 stars; one submission).

Conditions:
Chédiak-Higashi syndrome (CHS). Also called: Chediak-Higashi Syndrome. Identifiers: Orphanet 167, MedGen C0007965, MONDO:0008963, OMIM 214500.

gnomAD v4.1: 1 of 1,614,040 alleles (0.000062%); highest among the groups gnomAD compares: Non-Finnish European, 0.000085%; no homozygotes.

Submission:

Labcorp Genetics (formerly Invitae), Labcorp
Classification: Pathogenic for Chédiak-Higashi syndrome. Last evaluated: 2024-11-11. Review status: criteria provided, single submitter. Criteria: Invitae Variant Classification Sherloc (09022015). Collection method: clinical testing. Allele origin: germline.
Comment: This sequence change creates a premature translational stop signal (p.Glu435*) in the LYST gene. It is expected to result in an absent or disrupted protein product. Loss-of-function variants in LYST are known to be pathogenic (PMID: 9215679, 11857544). This variant is not present in population databases (gnomAD no frequency). This premature translational stop signal has been observed in individual(s) with Chediak-Higashi syndrome (PMID: 26915675). For these reasons, this variant has been classified as Pathogenic.

Literature cited by the submitters: PubMed 9215679; PubMed 11857544; PubMed 26915675.